The following is an entry in ClinVar:

ClinVar aggregate classification (germline): Pathogenic. Review status: reviewed by expert panel (3 of 4 stars). 6 submissions from 6 submitters: Pathogenic (1). 5 of the submissions do not count toward it. Last evaluated 2016-09-08.

Conditions:
Hereditary cancer-predisposing syndrome. Also called: Tumor predisposition; Neoplastic Syndromes, Hereditary; Hereditary Cancer Syndrome; Hereditary neoplastic syndrome. Identifiers: Orphanet 140162, MedGen C0027672, MeSH D009386, MONDO:0015356.
Hereditary breast ovarian cancer syndrome. Also called: Hereditary breast and ovarian cancer syndrome (HBOC); Hereditary breast and ovarian cancer syndrome; Hereditary breast and ovarian cancer; Hereditary breast and/or ovarian cancer syndrome; Breast and ovarian cancer; BRCA1- and BRCA2-Associated Hereditary Breast and Ovarian Cancer. Identifiers: Orphanet 145, MedGen C0677776, MeSH D061325, MONDO:0003582. Disease mechanism: loss of function.
Breast-ovarian cancer, familial, susceptibility to, 1 (BROVCA1). Also called: OVARIAN CANCER, SUSCEPTIBILITY TO; BRCA1 Hereditary Breast and Ovarian Cancer. Identifiers: Orphanet 145, MedGen C2676676, MONDO:0011450, OMIM 604370. Disease mechanism: loss of function.

Submissions (6):

Evidence-based Network for the Interpretation of Germline Mutant Alleles (ENIGMA)
Classification: Pathogenic for Breast-ovarian cancer, familial, susceptibility to, 1. Last evaluated: 2016-09-08. Review status: reviewed by expert panel. Criteria: ENIGMA BRCA1/2 Classification Criteria (2015). Collection method: curation. Allele origin: germline.
Comment: Variant allele predicted to encode a truncated non-functional protein.

Ambry Genetics
Classification: Pathogenic for Hereditary cancer-predisposing syndrome. Last evaluated: 2025-11-21. Review status: criteria provided, single submitter. Criteria: Ambry Variant Classification Scheme 2023. Collection method: clinical testing. Allele origin: germline. Not counted in ClinVar's aggregate classification.
Comment: The c.3326_3329delAAAA pathogenic mutation, located in coding exon 9 of the BRCA1 gene, results from a deletion of 4 nucleotides at nucleotide positions 3326 to 3329, causing a translational frameshift with a predicted alternate stop codon (p.K1109Sfs*7). This pathogenic mutation has been reported in multiple families with hereditary breast/ovarian cancer (Lecarpentier J et al. Breast Cancer Res., 2012 Jul;14:R99; Azzollini J et al. Eur. J. Intern. Med., 2016 Jul;32:65-71; Rebbeck TR et al. Hum. Mutat., 2018 05;39:593-620). This variant is considered to be rare based on population cohorts in the Genome Aggregation Database (gnomAD). This alteration is expected to result in loss of function by premature protein truncation or nonsense-mediated mRNA decay. As such, this alteration is interpreted as a disease-causing mutation.

Labcorp Genetics (formerly Invitae), Labcorp
Classification: Pathogenic for Hereditary breast ovarian cancer syndrome. Last evaluated: 2025-05-25. Review status: criteria provided, single submitter. Criteria: Invitae Variant Classification Sherloc (09022015). Collection method: clinical testing. Allele origin: germline. Not counted in ClinVar's aggregate classification.
Comment: This sequence change creates a premature translational stop signal (p.Lys1109Serfs*7) in the BRCA1 gene. It is expected to result in an absent or disrupted protein product. Loss-of-function variants in BRCA1 are known to be pathogenic (PMID: 20104584). This variant is not present in population databases (gnomAD no frequency). This premature translational stop signal has been observed in individual(s) with breast and/or ovarian cancer (PMID: 22762150, 27062684). ClinVar contains an entry for this variant (Variation ID: 54839). For these reasons, this variant has been classified as Pathogenic.

Color Diagnostics, LLC DBA Color Health
Classification: Pathogenic for Hereditary cancer-predisposing syndrome. Last evaluated: 2020-12-30. Review status: criteria provided, single submitter. Criteria: ACMG Guidelines, 2015. Collection method: clinical testing. Allele origin: germline. Not counted in ClinVar's aggregate classification.
Comment: This variant deletes 4 nucleotides in exon 10 of the BRCA1 gene, creating a frameshift and premature translation stop signal. This variant is expected to result in an absent or non-functional protein product. This variant has been observed in multiple suspected hereditary breast and ovarian cancer families (PMID: 22762150, 27062684, 29446198). This variant has not been identified in the general population by the Genome Aggregation Database (gnomAD). Loss of BRCA1 function is a known mechanism of disease. Based on the available evidence, this variant is classified as Pathogenic.

Consortium of Investigators of Modifiers of BRCA1/2 (CIMBA), c/o University of Cambridge
Classification: Pathogenic for Breast-ovarian cancer, familial, susceptibility to, 1. Last evaluated: 2015-10-02. Review status: criteria provided, single submitter. Criteria: CIMBA Mutation Classification guidelines May 2016. Collection method: clinical testing. Allele origin: germline. Not counted in ClinVar's aggregate classification.

Breast Cancer Information Core (BIC) (BRCA1)
Classification: Pathogenic for Breast-ovarian cancer, familial 1. Last evaluated: 2004-11-25. Review status: no assertion criteria provided. Collection method: clinical testing. Allele origin: germline. Affected: yes. Observed: 1 variant allele. Not counted in ClinVar's aggregate classification.

Literature cited by the submitters: PubMed 22762150 (cited by Ambry Genetics and Labcorp Genetics (formerly Invitae), Labcorp); PubMed 27062684 (cited by Ambry Genetics and Labcorp Genetics (formerly Invitae), Labcorp); PubMed 29446198 (cited by Ambry Genetics); PubMed 20104584 (cited by Labcorp Genetics (formerly Invitae), Labcorp).

NM_007294.4(BRCA1):c.3326_3329del (p.Lys1109fs)

Genes: BRCA1 (BRCA1 DNA repair associated; minus strand), LOC126862571 (BRD4-independent group 4 enhancer GRCh37_chr17:41243136-41244335; plus strand). Cytogenetic location: 17q21.31.
Variant type: Deletion.
Coding change: c.3326_3329del on transcript NM_007294.4 (MANE Select); coding-DNA positions 3326 to 3329, 4 bases deleted (AAAA; older notation c.3326_3329delAAAA).
Protein change: p.Lys1109fs; shifts the reading frame from lysine 1109.
Molecular consequence: frameshift variant. On other transcripts: intron variant (137).
Genome position (GRCh38, 1-based): chr17:43,092,202-43,092,205, TTTT deleted on the plus strand (AAAA on the coding strand, the reverse complement: BRCA1 is on the minus strand); deleting any 4 consecutive bases within chr17:43,092,202-43,092,207 gives the same sequence; the c. name uses the placement nearest the transcript's 3' end. VCF-style (leftmost placement, unchanged base first): chr17-43092201-CTTTT-C. GRCh37 (hg19) VCF-style: chr17-41244218-CTTTT-C.
Other names: 3445del4; c.3326_3329delAAAA (NM_007294.3); c.2993_2996del, p.Lys998fs (NM_001407950.1, NM_001407951.1, NM_001407952.1 and 6 more transcripts); c.2990_2993del, p.Lys997fs (NM_001407954.1, NM_001407955.1, NM_001407956.1 and 1 more transcripts); c.2945_2948del, p.Lys982fs (NM_001407959.1, NM_001407960.1, NM_001407963.1); c.2942_2945del, p.Lys981fs (NM_001407962.1); c.3182_3185del, p.Lys1061fs (NM_001407964.1, NM_001407740.1, NM_001407741.1 and 20 more transcripts); c.2822_2825del, p.Lys941fs (NM_001407965.1); and 43 more; short protein forms K1062fs, K1109fs, K1039fs, K1041fs, K1067fs, K1083fs, K981fs, K1038fs.
Identifiers: ClinVar variation 54839 (VCV000054839.22), dbSNP rs80357575, ClinGen allele CA002144.